The following is an entry in ClinVar:

NM_178172.6(GPIHBP1):c.551C>T (p.Pro184Leu)

Gene: GPIHBP1 (glycosylphosphatidylinositol anchored high density lipoprotein binding protein 1; plus strand). Cytogenetic location: 8q24.3.
Variant type: single nucleotide variant.
Coding change: c.551C>T on transcript NM_178172.6 (MANE Select); coding-DNA position 551, C replaced by T.
Protein change: p.Pro184Leu; replaces proline 184 with leucine.
Molecular consequence: missense variant. On other transcripts: intron variant (1).
Genome position (GRCh38, 1-based): chr8:143,215,514, C>T. VCF-style: chr8-143215514-C-T. GRCh37 (hg19) VCF-style: chr8-144297389-C-T.
Other names: c.375+176C>T (NM_001301772.2); short protein forms P184L.
Identifiers: ClinVar variation 2447227 (VCV002447227.3), dbSNP rs563623646, ClinGen allele CA4907156.

ClinVar aggregate classification (germline): Uncertain significance (1 of 4 stars; one submission).

Conditions:
Cardiovascular phenotype. Identifiers: MedGen CN230736.

Allele frequency attached by ClinVar (database versions not stated): 1000 Genomes Project 30x 0.00016; 1000 Genomes Project 0.00020.
gnomAD v4.1: 11 of 1,592,202 alleles (0.00069%); highest among the groups gnomAD compares: Admixed American, 0.01%; no homozygotes.

Submission:

Ambry Genetics
Classification: Uncertain significance for Cardiovascular phenotype. Last evaluated: 2025-06-15. Review status: criteria provided, single submitter. Criteria: Ambry Variant Classification Scheme 2023. Collection method: clinical testing. Allele origin: germline.
Comment: The p.P184L variant (also known as c.551C>T), located in coding exon 4 of the GPIHBP1 gene, results from a C to T substitution at nucleotide position 551. The proline at codon 184 is replaced by leucine, an amino acid with similar properties. This amino acid position is conserved. In addition, this alteration is predicted to be tolerated by in silico analysis. Since supporting evidence is limited at this time, the clinical significance of this alteration remains unclear.